The following is an entry in ClinVar:

NM_001009944.3(PKD1):c.6983_6989dup (p.Val2334fs)

Gene: PKD1 (polycystin 1, transient receptor potential channel interacting; minus strand). Cytogenetic location: 16p13.3.
Variant type: Duplication.
Coding change: c.6983_6989dup on transcript NM_001009944.3 (MANE Select); coding-DNA positions 6983 to 6989, 7 bases duplicated (AGCGGCT; older notation c.6983_6989dupAGCGGCT).
Protein change: p.Val2334fs; shifts the reading frame from valine 2334.
Molecular consequence: frameshift variant.
Genome position (GRCh38, 1-based): chr16:2,107,959-2,107,965, AGCCGCT duplicated on the plus strand (AGCGGCT on the coding strand, the reverse complement: PKD1 is on the minus strand). VCF-style (leftmost placement, unchanged base first): chr16-2107958-C-CAGCCGCT. GRCh37 (hg19) VCF-style: chr16-2157959-C-CAGCCGCT.
Other names: c.6983_6989dup, p.Val2334fs (NM_000296.4); short protein forms V2334fs.
Identifiers: ClinVar variation 5041743 (VCV005041743.1).

ClinVar aggregate classification (germline): Pathogenic (1 of 4 stars; one submission).

Submission:

CeGaT Center for Human Genetics Tuebingen
Classification: Pathogenic. Last evaluated: 2026-09-01. Review status: criteria provided, single submitter. Criteria: CeGaT Center For Human Genetics Tuebingen Variant Classification Criteria Version 2. Collection method: clinical testing. Allele origin: germline. Affected: yes. Observed: 1 variant allele.
Comment: PKD1: PVS1, PM2, PS4:Supporting